The following is an entry in ClinVar:

ClinVar aggregate classification (germline): Uncertain significance. Review status: criteria provided, multiple submitters, no conflicts (2 of 4 stars). 2 submissions from 2 submitters: Uncertain significance (2). Last evaluated 2026-01-23.

Conditions:
ENHANCED S-CONE SYNDROME 1 (ESCS1). Also called: RETINOSCHISIS WITH EARLY HEMERALOPIA; FAVRE HYALOIDEORETINAL DEGENERATION. Identifiers: MedGen CN380299, OMIM 268100.

gnomAD v4.1: 4 of 1,603,262 alleles (0.00025%); highest among the groups gnomAD compares: Non-Finnish European, 0.00026%; no homozygotes.

Submissions (2):

Myriad Genetics, Inc.
Classification: Uncertain significance for ENHANCED S-CONE SYNDROME 1. Last evaluated: 2026-01-23. Review status: criteria provided, single submitter. Criteria: Myriad Autosomal Dominant, Autosomal Recessive and X-Linked Classification Criteria (2023). Collection method: clinical testing. Allele origin: unknown.
Comment: NM_014249.2(NR2E3):c.245+5G>C is an intronic variant classified as a variant of uncertain significance in the context of enhanced S-cone syndrome. c.245+5G>C has not been observed in cases with relevant disease. Relevant functional assessments of this variant are not available in the literature. c.245+5G>C has been observed in referenced population frequency databases. In summary, there is insufficient evidence to classify NM_014249.2(NR2E3):c.245+5G>C as pathogenic or benign. Please note: this variant was assessed in the context of healthy population screening.

Labcorp Genetics (formerly Invitae), Labcorp
Classification: Uncertain significance. Last evaluated: 2025-09-16. Review status: criteria provided, single submitter. Criteria: Invitae Variant Classification Sherloc (09022015). Collection method: clinical testing. Allele origin: germline.
Comment: This sequence change falls in intron 2 of the NR2E3 gene. It does not directly change the encoded amino acid sequence of the NR2E3 protein. It affects a nucleotide within the consensus splice site. The frequency data for this variant in the population databases is considered unreliable, as metrics indicate poor data quality at this position in the gnomAD database. This variant has not been reported in the literature in individuals affected with NR2E3-related conditions. ClinVar contains an entry for this variant (Variation ID: 1022119). Variants that disrupt the consensus splice site are a relatively common cause of aberrant splicing (PMID: 17576681, 9536098). Algorithms developed to predict the effect of sequence changes on RNA splicing suggest that this variant is not likely to affect RNA splicing. In summary, the available evidence is currently insufficient to determine the role of this variant in disease. Therefore, it has been classified as a Variant of Uncertain Significance.

Literature cited by the submitters: PubMed 17576681 (cited by Labcorp Genetics (formerly Invitae), Labcorp); PubMed 9536098 (cited by Labcorp Genetics (formerly Invitae), Labcorp).

NM_014249.4(NR2E3):c.245+5G>C

Gene: NR2E3 (nuclear receptor subfamily 2 group E member 3; plus strand). Cytogenetic location: 15q23.
Variant type: single nucleotide variant.
Coding change: c.245+5G>C on transcript NM_014249.4 (MANE Select); 5 bases into the intron after coding-DNA position 245, G replaced by C.
Molecular consequence: intron variant.
Genome position (GRCh38, 1-based): chr15:71,811,614, G>C. VCF-style: chr15-71811614-G-C. GRCh37 (hg19) VCF-style: chr15-72103954-G-C.
Other names: c.245+5G>C (NM_016346.4).
Identifiers: ClinVar variation 1022119 (VCV001022119.4), dbSNP rs369582682, ClinGen allele CA618960644.